The following is an entry in ClinVar:

NM_053025.4(MYLK):c.3832-8G>C

Gene: MYLK (myosin light chain kinase; minus strand). Cytogenetic location: 3q21.1.
Variant type: single nucleotide variant.
Coding change: c.3832-8G>C on transcript NM_053025.4 (MANE Select); 8 bases into the intron before coding-DNA position 3832, G replaced by C.
Molecular consequence: intron variant.
Genome position (GRCh38, 1-based): chr3:123,664,266, C>G on the plus strand (G>C on the coding strand, the complement: MYLK is on the minus strand). VCF-style: chr3-123664266-C-G. GRCh37 (hg19) VCF-style: chr3-123383113-C-G.
Other names: c.3304-8G>C (NM_001321309.2); c.3625-8G>C (NM_053028.4, NM_053026.4); c.3832-8G>C (NM_053027.4).
Identifiers: ClinVar variation 571663 (VCV000571663.15), dbSNP rs202218458, ClinGen allele CA070319.

ClinVar aggregate classification (germline): Conflicting classifications of pathogenicity. Review status: criteria provided, conflicting classifications (1 of 4 stars). 4 submissions from 3 submitters: Uncertain significance (2); Likely benign (2). Last evaluated 2025-11-22.

Conditions:
Aortic aneurysm, familial thoracic 7 (AAT7). Also called: AORTIC DISSECTION, FAMILIAL, WITH OR WITHOUT AORTIC ANEURYSM. Identifiers: MedGen C3151077, MONDO:0013418, OMIM 613780.
Megacystis-microcolon-intestinal hypoperistalsis syndrome 1. Identifiers: MedGen C5542316, MONDO:0100354, OMIM 249210.

Allele frequency attached by ClinVar (database versions not stated): TOPMed 0.00006; 1000 Genomes Project 30x 0.00016; 1000 Genomes Project 0.00020.
gnomAD v4.1: 45 of 1,614,088 alleles (0.0028%); highest among the groups gnomAD compares: Admixed American, 0.053%; 1 homozygote.

Submissions (4):

Labcorp Genetics (formerly Invitae), Labcorp
Classification: Likely benign for Aortic aneurysm, familial thoracic 7. Last evaluated: 2025-11-22. Review status: criteria provided, single submitter. Criteria: Invitae Variant Classification Sherloc (09022015). Collection method: clinical testing. Allele origin: germline.

Center for Genomics, Ann and Robert H. Lurie Children's Hospital of Chicago
Classification: Uncertain significance for Megacystis-microcolon-intestinal hypoperistalsis syndrome 1; Aortic aneurysm, familial thoracic 7. Last evaluated: 2021-03-30. Review status: criteria provided, single submitter. Criteria: ACMG Guidelines, 2015. Collection method: clinical testing. Allele origin: germline.
Comment: MYLK NM_053025.3 exon 23 c.3832-8G>C: This variant has not been reported in the literature but is present in 4/33558 Latino alleles in the Genome Aggregation Database. Evolutionary conservation and computational predictive tools for this variant are limited or unavailable. This variant is an intronic variant; splice prediction tools suggest that this variant may not affect splicing. However, further studies are needed to understand its impact. In summary, data on this variant is insufficient for disease classification. Therefore, the clinical significance of this variant is uncertain.

GeneDx
Classification: Likely benign. Last evaluated: 2020-10-16. Review status: criteria provided, single submitter. Criteria: GeneDx Variant Classification Process June 2021. Collection method: clinical testing. Allele origin: germline. Affected: yes.

Center for Genomics, Ann and Robert H. Lurie Children's Hospital of Chicago
Classification: Uncertain significance for Aortic aneurysm, familial thoracic 7. Last evaluated: 2018-04-23. Review status: criteria provided, single submitter. Criteria: ACMG Guidelines, 2015. Collection method: clinical testing. Allele origin: germline.
Comment: the same text as in the submission from Center for Genomics, Ann and Robert H. Lurie Children's Hospital of Chicago above.